The following is an entry in ClinVar:

ClinVar aggregate classification (germline): Uncertain significance (1 of 4 stars; one submission).

Submission:

GeneDx
Classification: Uncertain significance. Last evaluated: 2025-06-29. Review status: criteria provided, single submitter. Criteria: GeneDx Variant Classification Process June 2021. Collection method: clinical testing. Allele origin: germline. Affected: yes.
Comment: Not observed at significant frequency in large population cohorts (gnomAD); In silico analysis suggests that this missense variant does not alter protein structure/function; Has not been previously published as pathogenic or benign to our knowledge

NM_001366145.2(TRPM3):c.988G>A (p.Val330Ile)

Gene: TRPM3 (transient receptor potential cation channel subfamily M member 3; minus strand). Cytogenetic location: 9q21.12.
Variant type: single nucleotide variant.
Coding change: c.988G>A on transcript NM_001366145.2 (MANE Select); coding-DNA position 988, G replaced by A.
Protein change: p.Val330Ile; replaces valine 330 with isoleucine.
Molecular consequence: missense variant.
Genome position (GRCh38, 1-based): chr9:70,784,265, C>T on the plus strand (G>A on the coding strand, the complement: TRPM3 is on the minus strand). VCF-style: chr9-70784265-C-T. GRCh37 (hg19) VCF-style: chr9-73399181-C-T.
Other names: c.604G>A, p.Val202Ile (NM_001007470.3, NM_206946.5, NM_206947.5); c.988G>A, p.Val330Ile (NM_001007471.4, NM_001366146.2, NM_001366149.2 and 3 more transcripts); c.994G>A, p.Val332Ile (NM_001366141.2, NM_001366142.2, NM_001366143.2 and 1 more transcripts); c.1063G>A, p.Val355Ile (NM_001366147.2, NM_001366148.2, NM_001366152.2); c.529G>A, p.Val177Ile (NM_001366154.2, NM_020952.6, NM_024971.7 and 3 more transcripts); short protein forms V177I, V202I, V330I, V332I, V355I.
Identifiers: ClinVar variation 4539945 (VCV004539945.1).